The following is an entry in ClinVar:

ClinVar aggregate classification (germline): Uncertain significance (1 of 4 stars; one submission).

Conditions:
Congenital disorder of glycosylation, type Iaa. Also called: Congenital disorder of glycosylation, type 1aa. Identifiers: MedGen C4310727, MONDO:0014904, OMIM 617082.

Allele frequency attached by ClinVar (database versions not stated): gnomAD exomes below 0.00001 and 0.00001.
gnomAD v4.1: 4 of 1,612,740 alleles (0.00025%); highest among the groups gnomAD compares: Non-Finnish European, 0.00034%; no homozygotes.

Submission:

Labcorp Genetics (formerly Invitae), Labcorp
Classification: Uncertain significance for Congenital disorder of glycosylation, type Iaa. Last evaluated: 2022-08-31. Review status: criteria provided, single submitter. Criteria: Invitae Variant Classification Sherloc (09022015). Collection method: clinical testing. Allele origin: germline.
Comment: ClinVar contains an entry for this variant (Variation ID: 1445456). In summary, the available evidence is currently insufficient to determine the role of this variant in disease. Therefore, it has been classified as a Variant of Uncertain Significance. Algorithms developed to predict the effect of missense changes on protein structure and function (SIFT, PolyPhen-2, Align-GVGD) all suggest that this variant is likely to be tolerated. This missense change has been observed in individual(s) with clinical features of NUS1-related conditions (Invitae). This variant is present in population databases (no rsID available, gnomAD 0.0009%). This sequence change replaces asparagine, which is neutral and polar, with serine, which is neutral and polar, at codon 175 of the NUS1 protein (p.Asn175Ser).

NM_138459.5(NUS1):c.524A>G (p.Asn175Ser)

Gene: NUS1 (NUS1 dehydrodolichyl diphosphate synthase subunit; plus strand). Cytogenetic location: 6q22.1.
Variant type: single nucleotide variant.
Coding change: c.524A>G on transcript NM_138459.5 (MANE Select); coding-DNA position 524, A replaced by G.
Protein change: p.Asn175Ser; replaces asparagine 175 with serine.
Molecular consequence: missense variant.
Genome position (GRCh38, 1-based): chr6:117,693,150, A>G. VCF-style: chr6-117693150-A-G. GRCh37 (hg19) VCF-style: chr6-118014313-A-G.
Other names: short protein forms N175S.
Identifiers: ClinVar variation 1445456 (VCV001445456.8), dbSNP rs1438675724, ClinGen allele CA365536846.
Genomic context (GRCh38, chr6:117,693,150, plus strand): 5'-AACAGCAAGAACTTCTGGGCCTAGATTGTTCAAAATACTCACCAGAATTTGCAAATAGTA[A>G]TGACAAAGATGATCAAGGTAAGCATGAGTGTATAATTGAACATGTAACATATGAAGATGT-3'
Protein context (NP_612468.1, residues 165-185): SKYSPEFANS[Asn175Ser]DKDDQVLNCH